The following is an entry in ClinVar:

NM_015215.4(CAMTA1):c.1146C>T (p.Ser382=)

Gene: CAMTA1 (calmodulin binding transcription activator 1; plus strand). Cytogenetic location: 1p36.23.
Variant type: single nucleotide variant.
Coding change: c.1146C>T on transcript NM_015215.4 (MANE Select); coding-DNA position 1146, C replaced by T.
Protein change: p.Ser382=; no amino-acid change (serine 382 retained).
Molecular consequence: synonymous variant.
Genome position (GRCh38, 1-based): chr1:7,663,693, C>T. VCF-style: chr1-7663693-C-T. GRCh37 (hg19) VCF-style: chr1-7723753-C-T.
Other names: c.1056C>T, p.Ser352= (NM_001349608.2, NM_001349612.2); c.1146C>T, p.Ser382= (NM_001349609.2, NM_001349610.2).
Identifiers: ClinVar variation 735669 (VCV000735669.10), dbSNP rs754552409, ClinGen allele CA566377.

ClinVar aggregate classification (germline): Likely benign. Review status: criteria provided, multiple submitters, no conflicts (2 of 4 stars). 2 submissions from 2 submitters: Likely benign (2). Last evaluated 2026-05-01.

Allele frequency attached by ClinVar (database versions not stated): gnomAD 0.00001 and 0.00002; gnomAD exomes 0.00002 and 0.00005; TOPMed 0.00002; ExAC 0.00004.
gnomAD v4.1: 32 of 1,614,046 alleles (0.002%); highest among the groups gnomAD compares: East Asian, 0.016%; 1 homozygote.

Submissions (2):

CeGaT Center for Human Genetics Tuebingen
Classification: Likely benign. Last evaluated: 2026-05-01. Review status: criteria provided, single submitter. Criteria: CeGaT Center For Human Genetics Tuebingen Variant Classification Criteria Version 2. Collection method: clinical testing. Allele origin: germline. Affected: yes. Observed: 1 variant allele.
Comment: CAMTA1: BP4

Labcorp Genetics (formerly Invitae), Labcorp
Classification: Likely benign. Last evaluated: 2022-03-13. Review status: criteria provided, single submitter. Criteria: Invitae Variant Classification Sherloc (09022015). Collection method: clinical testing. Allele origin: germline.